The following is an entry in ClinVar:

NM_001358921.2(COQ2):c.951+215T>G

Gene: COQ2 (coenzyme Q2, polyprenyltransferase; minus strand). Cytogenetic location: 4q21.23.
Variant type: single nucleotide variant.
Coding change: c.951+215T>G on transcript NM_001358921.2 (MANE Select); 215 bases into the intron after coding-DNA position 951, T replaced by G.
Molecular consequence: intron variant.
Genome position (GRCh38, 1-based): chr4:83,267,371, A>C on the plus strand (T>G on the coding strand, the complement: COQ2 is on the minus strand). VCF-style: chr4-83267371-A-C. GRCh37 (hg19) VCF-style: chr4-84188524-A-C.
Other names: c.1101+215T>G (NM_015697.9).
Identifiers: ClinVar variation 683557 (VCV000683557.1), dbSNP rs6832955, ClinGen allele CA100651799.
Genomic context (GRCh38, chr4:83,267,371, plus strand): 5'-AGGTTGCAGTGAGCTGTGATTGCACCACTGCACTCCAGCCTGGATGACAGGCTGGACAGC[A>C]CTGTTTCAAAAAAAATTTAAAAATAAAATAAAATACTAGAGCTAGCTTTCTTATAAGTTG-3'

ClinVar aggregate classification (germline): Benign (1 of 4 stars; one submission).

Allele frequency attached by ClinVar (database versions not stated): 1000 Genomes Project 0.93670; gnomAD 0.94003 and 0.93554; TOPMed 0.93231.
gnomAD v4.1: 142,943 of 151,966 alleles (94%); highest among the groups gnomAD compares: East Asian, 100%; 67,906 homozygotes.

Submission:

GeneDx
Classification: Benign. Last evaluated: 2018-06-14. Review status: criteria provided, single submitter. Criteria: GeneDx Variant Classification (06012015). Collection method: clinical testing. Allele origin: germline. Affected: yes.
Comment: This variant is considered likely benign or benign based on one or more of the following criteria: it is a conservative change, it occurs at a poorly conserved position in the protein, it is predicted to be benign by multiple in silico algorithms, and/or has population frequency not consistent with disease.